The following is an entry in ClinVar:

ClinVar aggregate classification (germline): Uncertain significance (1 of 4 stars; one submission).

Conditions:
Autosomal recessive limb-girdle muscular dystrophy type 2Y (MRRSDC). Also called: Muscular dystrophy, autosomal recessive, with rigid spine and distal joint contractures; Muscular dystrophy, limb-girdle, type 2y. Identifiers: Orphanet 424261, MedGen C4511482, MONDO:0014900, OMIM 617072.

Submission:

Labcorp Genetics (formerly Invitae), Labcorp
Classification: Uncertain significance for Autosomal recessive limb-girdle muscular dystrophy type 2Y. Last evaluated: 2022-02-03. Review status: criteria provided, single submitter. Criteria: Invitae Variant Classification Sherloc (09022015). Collection method: clinical testing. Allele origin: germline.
Comment: In summary, the available evidence is currently insufficient to determine the role of this variant in disease. Therefore, it has been classified as a Variant of Uncertain Significance. Algorithms developed to predict the effect of missense changes on protein structure and function (SIFT, PolyPhen-2, Align-GVGD) all suggest that this variant is likely to be disruptive. ClinVar contains an entry for this variant (Variation ID: 648024). This variant has not been reported in the literature in individuals affected with TOR1AIP1-related conditions. This variant is not present in population databases (gnomAD no frequency). This sequence change replaces isoleucine, which is neutral and non-polar, with valine, which is neutral and non-polar, at codon 445 of the TOR1AIP1 protein (p.Ile445Val).

NM_015602.4(TOR1AIP1):c.1330A>G (p.Ile444Val)

Gene: TOR1AIP1 (torsin 1A interacting protein 1; plus strand). Cytogenetic location: 1q25.2.
Variant type: single nucleotide variant.
Coding change: c.1330A>G on transcript NM_015602.4 (MANE Select); coding-DNA position 1330, A replaced by G.
Protein change: p.Ile444Val; replaces isoleucine 444 with valine.
Molecular consequence: missense variant.
Genome position (GRCh38, 1-based): chr1:179,917,817, A>G. VCF-style: chr1-179917817-A-G. GRCh37 (hg19) VCF-style: chr1-179886952-A-G.
Other names: c.1333A>G, p.Ile445Val (NM_001267578.2); short protein forms I444V, I445V.
Identifiers: ClinVar variation 648024 (VCV000648024.7), dbSNP rs1571740939, ClinGen allele CA343574307.